The following is an entry in ClinVar:

ClinVar aggregate classification (germline): Uncertain significance. Review status: criteria provided, multiple submitters, no conflicts (2 of 4 stars). 2 submissions from 2 submitters: Uncertain significance (2). Last evaluated 2024-11-20.

Conditions:
Pulmonary fibrosis and/or bone marrow failure, Telomere-related, 3. Also called: PULMONARY FIBROSIS AND/OR BONE MARROW FAILURE SYNDROME, TELOMERE-RELATED, 3. Identifiers: Orphanet 2032, MedGen C4225346, MONDO:0014613, OMIM 616373.
Dyskeratosis congenita, autosomal recessive 5 (DKCB5). Identifiers: MedGen C3554656, MONDO:0014076, OMIM 615190.
Inborn genetic diseases. Identifiers: MedGen C0950123, MeSH D030342.

Allele frequency attached by ClinVar (database versions not stated): gnomAD exomes below 0.00001; TOPMed below 0.00001; gnomAD 0.00001.
gnomAD v4.1: 2 of 1,613,950 alleles (0.00012%); highest among the groups gnomAD compares: Admixed American, 0.0017%; no homozygotes.

Submissions (2):

Ambry Genetics
Classification: Uncertain significance for Inborn genetic diseases. Last evaluated: 2024-11-20. Review status: criteria provided, single submitter. Criteria: Ambry Variant Classification Scheme 2023. Collection method: clinical testing. Allele origin: germline.
Comment: The p.I146V variant (also known as c.436A>G), located in coding exon 4 of the RTEL1 gene, results from an A to G substitution at nucleotide position 436. The isoleucine at codon 146 is replaced by valine, an amino acid with highly similar properties. This amino acid position is conserved. In addition, this alteration is predicted to be tolerated by in silico analysis. Based on the available evidence, the clinical significance of this variant remains unclear.

Labcorp Genetics (formerly Invitae), Labcorp
Classification: Uncertain significance for Dyskeratosis congenita, autosomal recessive 5; Pulmonary fibrosis and/or bone marrow failure, Telomere-related, 3. Last evaluated: 2021-09-18. Review status: criteria provided, single submitter. Criteria: Invitae Variant Classification Sherloc (09022015). Collection method: clinical testing. Allele origin: germline.
Comment: This sequence change replaces isoleucine with valine at codon 146 of the RTEL1 protein (p.Ile146Val). The isoleucine residue is highly conserved and there is a small physicochemical difference between isoleucine and valine. This variant is not present in population databases (ExAC no frequency). This variant has not been reported in the literature in individuals affected with RTEL1-related conditions. Algorithms developed to predict the effect of missense changes on protein structure and function are either unavailable or do not agree on the potential impact of this missense change (SIFT: "Deleterious"; PolyPhen-2: "Possibly Damaging"; Align-GVGD: "Class C0"). In summary, the available evidence is currently insufficient to determine the role of this variant in disease. Therefore, it has been classified as a Variant of Uncertain Significance.

NM_001283009.2(RTEL1):c.436A>G (p.Ile146Val)

Genes: RTEL1 (regulator of telomere elongation helicase 1; plus strand), RTEL1-TNFRSF6B (RTEL1-TNFRSF6B readthrough (NMD candidate); plus strand). Cytogenetic location: 20q13.33.
Variant type: single nucleotide variant.
Coding change: c.436A>G on transcript NM_001283009.2 (MANE Select); coding-DNA position 436, A replaced by G.
Protein change: p.Ile146Val; replaces isoleucine 146 with valine.
Molecular consequence: missense variant. On other transcripts: non-coding transcript variant (1), 5 prime UTR variant (1).
Genome position (GRCh38, 1-based): chr20:63,662,586, A>G. VCF-style: chr20-63662586-A-G. GRCh37 (hg19) VCF-style: chr20-62293939-A-G.
Other names: c.-234A>G (NM_001283010.1); c.436A>G, p.Ile146Val (NM_016434.4); c.508A>G, p.Ile170Val (NM_032957.5); short protein forms I170V, I146V.
Identifiers: ClinVar variation 1440970 (VCV001440970.8), dbSNP rs1420390084, ClinGen allele CA409669615.
Genomic context (GRCh38, chr20:63,662,586, plus strand): 5'-ACGGTGCTCTCTCCCACCAGGCCTAAGGTGTGTGTGCTGGGCTCCCGGGAGCAGCTGTGC[A>G]TCCATCCTGAGGTGAAGAAACAAGAGAGTAACCATCTACAGGTAGGCTCCTGGGCTCCCG-3'
Protein context (NP_001269938.1, residues 136-156): CVLGSREQLC[Ile146Val]HPEVKKQESN